The following is an entry in ClinVar:

ClinVar aggregate classification (germline): Likely benign. Review status: criteria provided, multiple submitters, no conflicts (2 of 4 stars). 3 submissions from 3 submitters: Likely benign (3). Last evaluated 2025-09-17.

Conditions:
Hereditary cancer-predisposing syndrome. Also called: Hereditary Cancer Syndrome; Hereditary neoplastic syndrome; Neoplastic Syndromes, Hereditary; Tumor predisposition. Identifiers: Orphanet 140162, MedGen C0027672, MeSH D009386, MONDO:0015356.
Hereditary breast ovarian cancer syndrome. Also called: Hereditary breast and ovarian cancer syndrome; Hereditary breast and ovarian cancer; Breast and ovarian cancer; BRCA1- and BRCA2-Associated Hereditary Breast and Ovarian Cancer; Hereditary breast and/or ovarian cancer syndrome; Hereditary breast and ovarian cancer syndrome (HBOC). Identifiers: Orphanet 145, MedGen C0677776, MeSH D061325, MONDO:0003582. Disease mechanism: loss of function.

Allele frequency attached by ClinVar (database versions not stated): TOPMed below 0.00001.

Submissions (3):

Labcorp Genetics (formerly Invitae), Labcorp
Classification: Likely benign for Hereditary breast ovarian cancer syndrome. Last evaluated: 2025-09-17. Review status: criteria provided, single submitter. Criteria: Invitae Variant Classification Sherloc (09022015). Collection method: clinical testing. Allele origin: germline.

Ambry Genetics
Classification: Likely benign for Hereditary cancer-predisposing syndrome. Last evaluated: 2016-01-28. Review status: criteria provided, single submitter. Criteria: Ambry Variant Classification Scheme 2023. Collection method: clinical testing. Allele origin: germline.

GeneDx
Classification: Likely benign. Last evaluated: 2016-01-28. Review status: criteria provided, single submitter. Criteria: GeneDx Variant Classification (06012015). Collection method: clinical testing. Allele origin: germline. Affected: yes.
Comment: This variant is considered likely benign or benign based on one or more of the following criteria: it is a conservative change, it occurs at a poorly conserved position in the protein, it is predicted to be benign by multiple in silico algorithms, and/or has population frequency not consistent with disease.

NM_007294.4(BRCA1):c.1920A>G (p.Gln640=)

Gene: BRCA1 (BRCA1 DNA repair associated; minus strand). Cytogenetic location: 17q21.31.
Variant type: single nucleotide variant.
Coding change: c.1920A>G on transcript NM_007294.4 (MANE Select); coding-DNA position 1920, A replaced by G.
Protein change: p.Gln640=; no amino-acid change (glutamine 640 retained).
Molecular consequence: synonymous variant. On other transcripts: intron variant (137).
Genome position (GRCh38, 1-based): chr17:43,093,611, T>C on the plus strand (A>G on the coding strand, the complement: BRCA1 is on the minus strand). VCF-style: chr17-43093611-T-C. GRCh37 (hg19) VCF-style: chr17-41245628-T-C.
Other names: c.1797A>G, p.Gln599= (NM_001407937.1, NM_001407938.1, NM_001407939.1 and 19 more transcripts); c.787+1133A>G (NM_001407976.1, NM_001408472.1, NM_001407990.1 and 19 more transcripts); c.577+1133A>G (NM_001408479.1, NM_001408492.1, NM_001408513.1 and 9 more transcripts); c.652+1133A>G (NM_001408451.1); c.661+1133A>G (NM_001408445.1, NM_001408432.1, NM_001408447.1 and 6 more transcripts); c.1794A>G, p.Gln598= (NM_001407941.1, NM_001407940.1, NM_001407671.1 and 11 more transcripts); c.784+1133A>G (NM_001408407.1, NM_001408399.1, NM_001408402.1 and 13 more transcripts); c.583+1133A>G (NM_001408475.1); and 40 more.
Identifiers: ClinVar variation 383525 (VCV000383525.12), dbSNP rs587782843, ClinGen allele CA16608453.